The following is an entry in ClinVar:

NM_001844.5(COL2A1):c.1743T>C (p.Pro581=)

Gene: COL2A1 (collagen type II alpha 1 chain; minus strand). Cytogenetic location: 12q13.11.
Variant type: single nucleotide variant.
Coding change: c.1743T>C on transcript NM_001844.5 (MANE Select); coding-DNA position 1743, T replaced by C.
Protein change: p.Pro581=; no amino-acid change (proline 581 retained).
Molecular consequence: synonymous variant.
Genome position (GRCh38, 1-based): chr12:47,985,085, A>G on the plus strand (T>C on the coding strand, the complement: COL2A1 is on the minus strand). VCF-style: chr12-47985085-A-G. GRCh37 (hg19) VCF-style: chr12-48378868-A-G.
Other names: c.1743T>C (NM_001844.4); c.1536T>C, p.Pro512= (NM_033150.3).
Identifiers: ClinVar variation 287533 (VCV000287533.16), dbSNP rs755517458, ClinGen allele CA6535383.

ClinVar aggregate classification (germline): Conflicting classifications of pathogenicity. Review status: criteria provided, conflicting classifications (1 of 4 stars). 5 submissions from 5 submitters: Uncertain significance (1); Likely benign (3). 1 of the submissions does not count toward it. Last evaluated 2025-03-07.

Conditions:
COL2A1-related disorder. Also called: COL2A1-related condition; COL2A1-related disorders.

Allele frequency attached by ClinVar (database versions not stated): ExAC 0.00001; TOPMed 0.00001; gnomAD 0.00002; gnomAD exomes 0.00002 and 0.00007.
gnomAD v4.1: 100 of 1,612,984 alleles (0.0062%); highest among the groups gnomAD compares: Non-Finnish European, 0.0085%; no homozygotes.

Submissions (5):

ARUP Laboratories, Molecular Genetics and Genomics, ARUP Laboratories
Classification: Likely benign. Last evaluated: 2025-03-07. Review status: criteria provided, single submitter. Criteria: ARUP Molecular Germline Variant Investigation Process 2024. Collection method: clinical testing. Allele origin: germline.

Labcorp Genetics (formerly Invitae), Labcorp
Classification: Likely benign. Last evaluated: 2025-01-28. Review status: criteria provided, single submitter. Criteria: Invitae Variant Classification Sherloc (09022015). Collection method: clinical testing. Allele origin: germline.

Blueprint Genetics
Classification: Likely benign. Last evaluated: 2020-09-30. Review status: criteria provided, single submitter. Criteria: ACMG Guidelines, 2015. Collection method: clinical testing. Allele origin: germline.

Eurofins Ntd Llc (ga)
Classification: Uncertain significance. Last evaluated: 2016-05-03. Review status: criteria provided, single submitter. Criteria: EGL Classification Definitions 2015. Collection method: clinical testing. Allele origin: germline. Observed: 1 variant allele, 1 heterozygote.

PreventionGenetics, part of Exact Sciences
Classification: Likely benign for COL2A1-related condition. Last evaluated: 2023-07-06. Review status: no assertion criteria provided. Collection method: clinical testing. Allele origin: germline. Not counted in ClinVar's aggregate classification.
Comment: This variant is classified as likely benign based on ACMG/AMP sequence variant interpretation guidelines (Richards et al. 2015 PMID: 25741868, with internal and published modifications).